The following is an entry in ClinVar:

NM_205836.3(FBXO38):c.3212G>C (p.Ser1071Thr)

Gene: FBXO38 (F-box protein 38; plus strand). Cytogenetic location: 5q32.
Variant type: single nucleotide variant.
Coding change: c.3212G>C on transcript NM_205836.3 (MANE Select); coding-DNA position 3212, G replaced by C.
Protein change: p.Ser1071Thr; replaces serine 1071 with threonine.
Molecular consequence: missense variant.
Genome position (GRCh38, 1-based): chr5:148,440,465, G>C. VCF-style: chr5-148440465-G-C. GRCh37 (hg19) VCF-style: chr5-147820028-G-C.
Other names: c.2477G>C, p.Ser826Thr (NM_001271723.2); c.2987G>C, p.Ser996Thr (NM_030793.5); short protein forms S996T, S826T, S1071T.
Identifiers: ClinVar variation 864167 (VCV000864167.11), dbSNP rs1044917671, ClinGen allele CA361661094.
Genomic context (GRCh38, chr5:148,440,465, plus strand): 5'-TTTTTCCTGTTGCTTCCAGAGAGCTCATTAAATATGAATTCTTCCCTGAAGCCACTCGAA[G>C]TGAAGAAGACTTAAAGAAATACCCCAAGTACCCCTGGGGGAGAGAAATCTATACTTTAGA-3'
Protein context (NP_995308.1, residues 1061-1081): KYEFFPEATR[Ser1071Thr]EEDLKKYPKY

ClinVar aggregate classification (germline): Uncertain significance (1 of 4 stars; one submission).

Conditions:
Distal hereditary motor neuropathy type 2. Identifiers: Orphanet 139525, MedGen C3711384, MeSH C580044, MONDO:0015352.

Submission:

Labcorp Genetics (formerly Invitae), Labcorp
Classification: Uncertain significance for Distal hereditary motor neuropathy type 2. Last evaluated: 2019-03-13. Review status: criteria provided, single submitter. Criteria: Invitae Variant Classification Sherloc (09022015). Collection method: clinical testing. Allele origin: germline.
Comment: In summary, the available evidence is currently insufficient to determine the role of this variant in disease. Therefore, it has been classified as a Variant of Uncertain Significance. Algorithms developed to predict the effect of missense changes on protein structure and function output the following: SIFT: "Tolerated"; PolyPhen-2: "Benign"; Align-GVGD: "Class C0". The threonine amino acid residue is found in multiple mammalian species, suggesting that this missense change does not adversely affect protein function. These predictions have not been confirmed by published functional studies and their clinical significance is uncertain. This variant has not been reported in the literature in individuals with FBXO38-related conditions. This variant is not present in population databases (ExAC no frequency). This sequence change replaces serine with threonine at codon 996 of the FBXO38 protein (p.Ser996Thr). The serine residue is weakly conserved and there is a small physicochemical difference between serine and threonine.